The following is an entry in ClinVar:

ClinVar aggregate classification (germline): Pathogenic (1 of 4 stars; one submission).

Conditions:
Asphyxiating thoracic dystrophy 3. Also called: SHORT-RIB THORACIC DYSPLASIA 3 WITH OR WITHOUT POLYDACTYLY; POLYDACTYLY WITH NEONATAL CHONDRODYSTROPHY, TYPE I; SHORT-RIB THORACIC DYSPLASIA 3/6 WITH POLYDACTYLY, DIGENIC; Short rib polydactyly syndrome 2B; Saldino-Noonan Syndrome. Identifiers: Orphanet 474, Orphanet 93269, Orphanet 93270, Orphanet 93271, MedGen C0036069, MONDO:0013127, OMIM 613091.

gnomAD v4.1: 1 of 1,613,706 alleles (0.000062%); highest among the groups gnomAD compares: Non-Finnish European, 0.000085%; no homozygotes.

Submission:

Myriad Genetics, Inc.
Classification: Pathogenic for Asphyxiating thoracic dystrophy 3. Last evaluated: 2026-03-12. Review status: criteria provided, single submitter. Criteria: Myriad Autosomal Dominant, Autosomal Recessive and X-Linked Classification Criteria (2023). Collection method: clinical testing. Allele origin: unknown.
Comment: NM_001377.2(DYNC2H1):c.10943G>A(W3648*) is expected to be pathogenic in the context of DYNC2H1-related disorders. This variant is predicted to lead to an abnormal or absent protein product due to the creation of a premature termination codon in DYNC2H1, a gene where loss-of-function variants are known to be pathogenic. Please note: this variant was assessed in the context of healthy population screening.

NM_001377.3(DYNC2H1):c.10943G>A (p.Trp3648Ter)

Gene: DYNC2H1 (dynein cytoplasmic 2 heavy chain 1; plus strand). Cytogenetic location: 11q22.3.
Variant type: single nucleotide variant.
Coding change: c.10943G>A on transcript NM_001377.3 (MANE Select); coding-DNA position 10943, G replaced by A.
Protein change: p.Trp3648Ter; replaces tryptophan 3648 with a stop codon.
Molecular consequence: nonsense.
Genome position (GRCh38, 1-based): chr11:103,286,307, G>A. VCF-style: chr11-103286307-G-A. GRCh37 (hg19) VCF-style: chr11-103157036-G-A.
Other names: c.10964G>A, p.Trp3655Ter (NM_001080463.2); short protein forms W3648*, W3655*.
Identifiers: ClinVar variation 5015668 (VCV005015668.1).